The following is an entry in ClinVar:

ClinVar aggregate classification (germline): Pathogenic (1 of 4 stars; one submission).

Conditions:
Marfan syndrome (MFS). Also called: Marfan syndrome type 1; Marfan's syndrome; FBN1-Related Marfan Syndrome; MARFAN SYNDROME, TYPE I; Marfan syndrome, classic. Identifiers: Orphanet 284963, Orphanet 558, MedGen C0024796, MONDO:0007947, OMIM 154700.
Familial thoracic aortic aneurysm and aortic dissection (TAAD). Also called: Thoracic aortic aneurysms and dissections. Identifiers: Orphanet 91387, MedGen C4707243, MONDO:0019625.

Submission:

Labcorp Genetics (formerly Invitae), Labcorp
Classification: Pathogenic for Marfan syndrome; Familial thoracic aortic aneurysm and aortic dissection. Last evaluated: 2021-10-24. Review status: criteria provided, single submitter. Criteria: Invitae Variant Classification Sherloc (09022015). Collection method: clinical testing. Allele origin: germline.
Comment: For these reasons, this variant has been classified as Pathogenic. Algorithms developed to predict the effect of sequence changes on RNA splicing suggest that this variant may disrupt the consensus splice site. Disruption of this splice site has been observed in individuals with clinical features of Marfan syndrome (PMID: 27146836, 29848614; Invitae). This variant is not present in population databases (gnomAD no frequency). This sequence change affects an acceptor splice site in intron 55 of the FBN1 gene. It is expected to disrupt RNA splicing. Variants that disrupt the donor or acceptor splice site typically lead to a loss of protein function (PMID: 16199547), and loss-of-function variants in FBN1 are known to be pathogenic (PMID: 17657824, 19293843).

Literature cited by the submitters: PubMed 27146836; PubMed 29848614; PubMed 16199547; PubMed 17657824; PubMed 19293843.

NM_000138.5(FBN1):c.6740-2A>G

Gene: FBN1 (fibrillin 1; minus strand). Cytogenetic location: 15q21.1.
Variant type: single nucleotide variant.
Coding change: c.6740-2A>G on transcript NM_000138.5 (MANE Select); the canonical splice acceptor site of the intron before coding-DNA position 6740, A replaced by G.
Molecular consequence: splice acceptor variant.
Genome position (GRCh38, 1-based): chr15:48,430,804, T>C on the plus strand (A>G on the coding strand, the complement: FBN1 is on the minus strand). VCF-style: chr15-48430804-T-C. GRCh37 (hg19) VCF-style: chr15-48723001-T-C.
Other names: c.6740-2A>G (NM_001406716.1).
Identifiers: ClinVar variation 1400365 (VCV001400365.6), dbSNP rs2141232714, ClinGen allele CA392332993.